The following is an entry in ClinVar:

NM_000170.3(GLDC):c.509_510del (p.Gln170fs)

Gene: GLDC (glycine decarboxylase; minus strand). Cytogenetic location: 9p24.1.
Variant type: Deletion.
Coding change: c.509_510del on transcript NM_000170.3 (MANE Select); coding-DNA positions 509 to 510, 2 bases deleted (AG; older notation c.509_510delAG).
Protein change: p.Gln170fs; shifts the reading frame from glutamine 170.
Molecular consequence: frameshift variant.
Genome position (GRCh38, 1-based): chr9:6,610,317-6,610,318, CT deleted on the plus strand (AG on the coding strand, the reverse complement: GLDC is on the minus strand). VCF-style (leftmost placement, unchanged base first): chr9-6610316-CCT-C. GRCh37 (hg19) VCF-style: chr9-6610316-CCT-C.
Other names: short protein forms Q170fs.
Identifiers: ClinVar variation 1432876 (VCV001432876.6), dbSNP rs2129916678, ClinGen allele CA2573144511.
Genomic context (GRCh38, chr9:6,610,316, plus strand): 5'-TGTCCAGGCCTGTGATGTCACACACCATGGTCTGGTAGTTGAGTAAACTCTCCAGCCTCC[CCT>C]GAGACACCTCAGGCTGGTATGGAGTATACTGGGTGATCCTGCAAGGGAAACAAAAGGTCT-3'

ClinVar aggregate classification (germline): Pathogenic (1 of 4 stars; one submission).

Conditions:
Glycine encephalopathy. Also called: Non-ketotic hyperglycinemia; Nonketotic hyperglycinemia. Identifiers: Orphanet 407, MedGen C0751748, MONDO:0011612, HP:0008288.

Submission:

Labcorp Genetics (formerly Invitae), Labcorp
Classification: Pathogenic for Glycine encephalopathy. Last evaluated: 2022-11-15. Review status: criteria provided, single submitter. Criteria: Invitae Variant Classification Sherloc (09022015). Collection method: clinical testing. Allele origin: germline.
Comment: This sequence change creates a premature translational stop signal (p.Gln170Argfs*15) in the GLDC gene. It is expected to result in an absent or disrupted protein product. Loss-of-function variants in GLDC are known to be pathogenic (PMID: 16601880). For these reasons, this variant has been classified as Pathogenic. ClinVar contains an entry for this variant (Variation ID: 1432876). This variant has not been reported in the literature in individuals affected with GLDC-related conditions. This variant is not present in population databases (gnomAD no frequency).

Literature cited by the submitters: PubMed 16601880.